The following is an entry in ClinVar:

NM_004004.6(GJB2):c.71G>C (p.Trp24Ser)

Gene: GJB2 (gap junction protein beta 2; minus strand). Cytogenetic location: 13q12.11.
Variant type: single nucleotide variant.
Coding change: c.71G>C on transcript NM_004004.6 (MANE Select); coding-DNA position 71, G replaced by C.
Protein change: p.Trp24Ser; replaces tryptophan 24 with serine.
Molecular consequence: missense variant.
Genome position (GRCh38, 1-based): chr13:20,189,511, C>G on the plus strand (G>C on the coding strand, the complement: GJB2 is on the minus strand). VCF-style: chr13-20189511-C-G. GRCh37 (hg19) VCF-style: chr13-20763650-C-G.
Other names: short protein forms W24S.
Identifiers: ClinVar variation 3731199 (VCV003731199.3).
Genomic context (GRCh38, chr13:20,189,511, plus strand): 5'-CACACCTCCTTTGCAGCCACAACGAGGATCATAATGCGAAAAATGAAGAGGACGGTGAGC[C>G]AGATCTTTCCAATGCTGGTGGAGTGTTTGTTCACACCCCCCAGGATCGTCTGCAGCGTGC-3'
Protein context (NP_003995.2, residues 14-34): NKHSTSIGKI[Trp24Ser]LTVLFIFRIM

ClinVar aggregate classification (germline): Conflicting classifications of pathogenicity. Review status: criteria provided, conflicting classifications (1 of 4 stars). 3 submissions from 3 submitters: Likely pathogenic (2); Uncertain significance (1). Last evaluated 2026-07-23.

Conditions:
GJB2-related disorder. Also called: GJB2-related condition; GJB2-related disorders. Identifiers: MedGen CN382183, MONDO:1060236.
Monogenic hearing loss.

gnomAD v4.1: 8 of 1,614,180 alleles (0.0005%); highest among the groups gnomAD compares: Non-Finnish European, 0.00068%; no homozygotes.

Submissions (3):

Genetics Laboratory, Great Ormond Street Hospital NHS Foundation Trust, North Thames Genomic Laboratory Hub
Classification: Likely pathogenic for Monogenic hearing loss. Last evaluated: 2026-07-23. Review status: criteria provided, single submitter. Criteria: ACGS Best Practice Guidelines for Variant Classification in Rare Disease 2024 v1.2. Collection method: clinical testing. Allele origin: germline. Affected: yes.
Comment: PM2_moderate, PP3_supporting, PM3_strong

GeneDx
Classification: Uncertain significance. Last evaluated: 2024-08-14. Review status: criteria provided, single submitter. Criteria: GeneDx Variant Classification Process June 2021. Collection method: clinical testing. Allele origin: germline. Affected: yes.
Comment: Not observed at significant frequency in large population cohorts (gnomAD); In silico analysis supports that this missense variant has a deleterious effect on protein structure/function; Has not been previously published as pathogenic or benign to our knowledge

Blueprint Genetics
Classification: Likely pathogenic for GJB2-related disorders. Last evaluated: 2021-04-13. Review status: criteria provided, single submitter. Criteria: ACMG Guidelines, 2015. Collection method: clinical testing. Allele origin: germline. Affected: yes. Observed: 1 variant allele.